The following is an entry in ClinVar:

ClinVar aggregate classification (germline): Uncertain significance. Review status: criteria provided, single submitter (1 of 4 stars). 2 submissions from 2 submitters: Uncertain significance (1). 1 of the submissions does not count toward it. Last evaluated 2023-11-01.

Conditions:
Alstrom syndrome (ALMS). Identifiers: Orphanet 64, MedGen C0268425, MONDO:0008763, OMIM 203800.

Allele frequency attached by ClinVar (database versions not stated): gnomAD 0.00002; TOPMed 0.00002; ESP Exome Variant Server 0.00008.
gnomAD v4.1: 14 of 1,614,032 alleles (0.00087%); highest among the groups gnomAD compares: African/African-American, 0.0067%; no homozygotes.

Submissions (2):

GeneDx
Classification: Uncertain significance. Last evaluated: 2023-11-01. Review status: criteria provided, single submitter. Criteria: GeneDx Variant Classification Process June 2021. Collection method: clinical testing. Allele origin: germline. Affected: yes.
Comment: In silico analysis supports that this missense variant has a deleterious effect on protein structure/function; Has not been previously published as pathogenic or benign to our knowledge

Counsyl
Classification: Uncertain significance for Alstrom syndrome. Last evaluated: 2018-02-01. Review status: no assertion criteria provided. Collection method: clinical testing. Allele origin: unknown. Not counted in ClinVar's aggregate classification.

NM_001378454.1(ALMS1):c.12226C>T (p.Arg4076Trp)

Genes: ALMS1 (ALMS1 centrosome and basal body associated protein; plus strand), LOC126806252 (BRD4-independent group 4 enhancer GRCh37_chr2:73828496-73829695; plus strand). Cytogenetic location: 2p13.1.
Variant type: single nucleotide variant.
Coding change: c.12226C>T on transcript NM_001378454.1 (MANE Select); coding-DNA position 12226, C replaced by T.
Protein change: p.Arg4076Trp; replaces arginine 4076 with tryptophan.
Molecular consequence: missense variant.
Genome position (GRCh38, 1-based): chr2:73,602,296, C>T. VCF-style: chr2-73602296-C-T. GRCh37 (hg19) VCF-style: chr2-73829423-C-T.
Other names: c.12229C>T, p.Arg4077Trp (NM_015120.4); short protein forms R4077W, R4076W.
Identifiers: ClinVar variation 556491 (VCV000556491.4), dbSNP rs368113488, ClinGen allele CA1715485.